The following is an entry in ClinVar:

ClinVar aggregate classification (germline): Uncertain significance. Review status: criteria provided, multiple submitters, no conflicts (2 of 4 stars). 3 submissions from 3 submitters: Uncertain significance (3). Last evaluated 2025-09-15.

Conditions:
Neurodevelopmental disorder with nonspecific brain abnormalities and with or without seizures. Identifiers: MedGen C5231470, MONDO:0032877, OMIM 618709.
Inborn genetic diseases. Identifiers: MedGen C0950123, MeSH D030342.

Allele frequency attached by ClinVar (database versions not stated): ESP Exome Variant Server 0.00015; gnomAD exomes 0.00020 and 0.00050; gnomAD 0.00023 and 0.00025; TOPMed 0.00024; ExAC 0.00034.

Submissions (3):

Labcorp Genetics (formerly Invitae), Labcorp
Classification: Uncertain significance. Last evaluated: 2025-09-15. Review status: criteria provided, single submitter. Criteria: Invitae Variant Classification Sherloc (09022015). Collection method: clinical testing. Allele origin: germline.
Comment: This sequence change replaces arginine, which is basic and polar, with histidine, which is basic and polar, at codon 430 of the DLL1 protein (p.Arg430His). This variant is present in population databases (rs372354902, gnomAD 0.03%). This variant has not been reported in the literature in individuals affected with DLL1-related conditions. ClinVar contains an entry for this variant (Variation ID: 1514700). An algorithm developed to predict the effect of missense changes on protein structure and function outputs the following: PolyPhen-2: "Benign". The histidine amino acid residue is found in multiple mammalian species, which suggests that this missense change does not adversely affect protein function. In summary, the available evidence is currently insufficient to determine the role of this variant in disease. Therefore, it has been classified as a Variant of Uncertain Significance.

Fulgent Genetics
Classification: Uncertain significance for Neurodevelopmental disorder with nonspecific brain abnormalities and with or without seizures. Last evaluated: 2021-08-03. Review status: criteria provided, single submitter. Criteria: ACMG Guidelines, 2015. Collection method: clinical testing. Allele origin: unknown.

Ambry Genetics
Classification: Uncertain significance for Inborn genetic diseases. Last evaluated: 2021-06-29. Review status: criteria provided, single submitter. Criteria: Ambry Variant Classification Scheme 2023. Collection method: clinical testing. Allele origin: germline.

NM_005618.4(DLL1):c.1289G>A (p.Arg430His)

Gene: DLL1 (delta like canonical Notch ligand 1; minus strand). Cytogenetic location: 6q27.
Variant type: single nucleotide variant.
Coding change: c.1289G>A on transcript NM_005618.4 (MANE Select); coding-DNA position 1289, G replaced by A.
Protein change: p.Arg430His; replaces arginine 430 with histidine.
Molecular consequence: missense variant.
Genome position (GRCh38, 1-based): chr6:170,283,990, C>T on the plus strand (G>A on the coding strand, the complement: DLL1 is on the minus strand). VCF-style: chr6-170283990-C-T. GRCh37 (hg19) VCF-style: chr6-170593078-C-T.
Other names: c.1289G>A (NM_005618.3); short protein forms R430H.
Identifiers: ClinVar variation 1514700 (VCV001514700.8), dbSNP rs372354902, ClinGen allele CA4106869.